The following is an entry in ClinVar:

NM_001943.5(DSG2):c.367C>T (p.Pro123Ser)

Gene: DSG2 (desmoglein 2; plus strand). Cytogenetic location: 18q12.1.
Variant type: single nucleotide variant.
Coding change: c.367C>T on transcript NM_001943.5 (MANE Select); coding-DNA position 367, C replaced by T.
Protein change: p.Pro123Ser; replaces proline 123 with serine.
Molecular consequence: missense variant.
Genome position (GRCh38, 1-based): chr18:31,520,953, C>T. VCF-style: chr18-31520953-C-T. GRCh37 (hg19) VCF-style: chr18-29100916-C-T.
Other names: short protein forms P123S.
Identifiers: ClinVar variation 921626 (VCV000921626.12), dbSNP rs2073124113, ClinGen allele CA402131682.

ClinVar aggregate classification (germline): Uncertain significance. Review status: criteria provided, multiple submitters, no conflicts (2 of 4 stars). 3 submissions from 3 submitters: Uncertain significance (3). Last evaluated 2025-08-04.

Conditions:
Cardiomyopathy (CMYO). Also called: Cardiomyopathies. Identifiers: Orphanet 167848, MedGen C0878544, MONDO:0004994, HP:0001638. Inheritance: Various modes of inheritance.
Arrhythmogenic right ventricular cardiomyopathy (ARVD). Also called: Arrhythmogenic cardiomyopathy; Cardiomyopathy, ARVC; Arrhythmogenic right ventricular dysplasia; Arrhythmogenic Right Ventricular Cardiomyopathy (ARVC). Identifiers: Orphanet 247, MedGen C0349788, MeSH D019571, MONDO:0016587. Disease mechanism: loss of function. Inheritance: Various modes of inheritance.
Arrhythmogenic right ventricular dysplasia 10. Also called: Arrhythmogenic Right Ventricular Dysplasia/Cardiomyopathy10; ARRHYTHMOGENIC RIGHT VENTRICULAR DYSPLASIA, FAMILIAL, 10; Arrhythmogenic right ventricular dysplasia/cardiomyopathy, type 10. Identifiers: MedGen C1857777, MONDO:0012434, OMIM 610193.

Allele frequency attached by ClinVar (database versions not stated): gnomAD exomes below 0.00001.
gnomAD v4.1: 5 of 1,613,578 alleles (0.00031%); highest among the groups gnomAD compares: Non-Finnish European, 0.00042%; no homozygotes.

Submissions (3):

Color Diagnostics, LLC DBA Color Health
Classification: Uncertain significance for Cardiomyopathy. Last evaluated: 2025-08-04. Review status: criteria provided, single submitter. Criteria: ACMG Guidelines, 2015. Collection method: clinical testing. Allele origin: germline.
Comment: This missense variant replaces proline with serine at codon 123 of the DSG2 protein. Computational prediction suggests that this variant may not impact protein structure and function. To our knowledge, functional studies have not been reported for this variant. This variant has not been reported in individuals affected with DSG2-related disorders in the literature. This variant has not been identified in the general population by the Genome Aggregation Database (gnomAD). The available evidence is insufficient to determine the role of this variant in disease conclusively. Therefore, this variant is classified as a Variant of Uncertain Significance.

All of Us Research Program, National Institutes of Health
Classification: Uncertain significance for Arrhythmogenic right ventricular cardiomyopathy. Last evaluated: 2024-09-23. Review status: criteria provided, single submitter. Criteria: ACMG Guidelines, 2015. Collection method: clinical testing. Allele origin: germline. Inheritance: Autosomal dominant inheritance. Observed: 1 variant allele, 1 heterozygote.
Comment: Variant of Uncertain Significance due to insufficient evidence: This missense variant is located in the extracellular cadherin domain 1 of the DSG2 protein. Computational prediction tools and conservation analyses are inconclusive regarding the impact of this variant on the protein function. Computational splicing tools suggest that this variant may not impact RNA splicing. To our knowledge, functional assays have not been performed for this variant nor has this variant been reported in individuals affected with cardiovascular disorders in the literature. This variant is rare in the general population and has been identified in 0/277264 chromosomes by the Genome Aggregation Database (gnomAD). Available evidence is insufficient to determine the role of this variant in disease conclusively.

This study involves interpretation of variants in research participants for the purpose of population health screening. Participant phenotype was not available at the time of variant classification. Additional details can be found in publication PMID: 35346344, PMCID: PMC8962531

Labcorp Genetics (formerly Invitae), Labcorp
Classification: Uncertain significance for Arrhythmogenic right ventricular dysplasia 10. Last evaluated: 2024-02-17. Review status: criteria provided, single submitter. Criteria: Invitae Variant Classification Sherloc (09022015). Collection method: clinical testing. Allele origin: germline.
Comment: This sequence change replaces proline, which is neutral and non-polar, with serine, which is neutral and polar, at codon 123 of the DSG2 protein (p.Pro123Ser). This variant is not present in population databases (gnomAD no frequency). This missense change has been observed in individual(s) with clinical features of arrhythmogenic cardiomyopathy (PMID: 32522011). ClinVar contains an entry for this variant (Variation ID: 921626). Advanced modeling of protein sequence and biophysical properties (such as structural, functional, and spatial information, amino acid conservation, physicochemical variation, residue mobility, and thermodynamic stability) performed at Invitae indicates that this missense variant is not expected to disrupt DSG2 protein function with a negative predictive value of 95%. In summary, the available evidence is currently insufficient to determine the role of this variant in disease. Therefore, it has been classified as a Variant of Uncertain Significance.

Literature cited by the submitters: PubMed 32522011 (cited by Labcorp Genetics (formerly Invitae), Labcorp).